The following is an entry in ClinVar:

ClinVar aggregate classification (germline): Conflicting classifications of pathogenicity. Review status: criteria provided, conflicting classifications (1 of 4 stars). 4 submissions from 4 submitters: Uncertain significance (3); Benign (1). Last evaluated 2026-05-06.

Conditions:
Inborn genetic diseases. Identifiers: MedGen C0950123, MeSH D030342.

Allele frequency attached by ClinVar (database versions not stated): ExAC 0.00014; gnomAD exomes 0.00013 and 0.00017; gnomAD 0.00019 and 0.00018; TOPMed 0.00019; ESP Exome Variant Server 0.00031.
gnomAD v4.1: 276 of 1,610,008 alleles (0.017%); highest among the groups gnomAD compares: Non-Finnish European, 0.022%; no homozygotes.

Submissions (4):

Women's Health and Genetics/Laboratory Corporation of America, LabCorp
Classification: Uncertain significance. Last evaluated: 2026-05-06. Review status: criteria provided, single submitter. Criteria: LabCorp Variant Classification Summary - May 2015. Collection method: clinical testing. Allele origin: germline.
Comment: Variant summary: DVL1 c.1517C>T (p.Pro506Leu) results in a non-conservative amino acid change in the encoded protein sequence. Algorithms developed to predict the effect of missense changes on protein structure and function are either unavailable or do not agree on the potential impact of this missense change. The variant allele was found at a frequency of 0.00013 in 234370 control chromosomes. This frequency is not significantly higher than estimated for disease-causing variants in DVL1, allowing no conclusion about variant significance. To our knowledge, no occurrence of c.1517C>T in individuals affected with DVL1-related conditions and no experimental evidence demonstrating its impact on protein function have been reported. ClinVar contains an entry for this variant (Variation ID: 1313541). Based on the evidence outlined above, the variant was classified as uncertain significance.

Labcorp Genetics (formerly Invitae), Labcorp
Classification: Benign. Last evaluated: 2025-12-25. Review status: criteria provided, single submitter. Criteria: Invitae Variant Classification Sherloc (09022015). Collection method: clinical testing. Allele origin: germline.

Ambry Genetics
Classification: Uncertain significance for Inborn genetic diseases. Last evaluated: 2025-08-22. Review status: criteria provided, single submitter. Criteria: Ambry Variant Classification Scheme 2023. Collection method: clinical testing. Allele origin: germline.

GeneDx
Classification: Uncertain significance. Last evaluated: 2020-10-19. Review status: criteria provided, single submitter. Criteria: GeneDx Variant Classification Process June 2021. Collection method: clinical testing. Allele origin: germline. Affected: yes.
Comment: In silico analysis supports that this missense variant has a deleterious effect on protein structure/function; Has not been previously published as pathogenic or benign to our knowledge

NM_001330311.2(DVL1):c.1592C>T (p.Pro531Leu)

Gene: DVL1 (dishevelled segment polarity protein 1; minus strand). Cytogenetic location: 1p36.33.
Variant type: single nucleotide variant.
Coding change: c.1592C>T on transcript NM_001330311.2 (MANE Select); coding-DNA position 1592, C replaced by T.
Protein change: p.Pro531Leu; replaces proline 531 with leucine.
Molecular consequence: missense variant.
Genome position (GRCh38, 1-based): chr1:1,338,099, G>A on the plus strand (C>T on the coding strand, the complement: DVL1 is on the minus strand). VCF-style: chr1-1338099-G-A. GRCh37 (hg19) VCF-style: chr1-1273479-G-A.
Other names: c.1517C>T, p.Pro506Leu (NM_004421.3); short protein forms P506L, P531L.
Identifiers: ClinVar variation 1313541 (VCV001313541.13), dbSNP rs199505104, ClinGen allele CA519991.